The following is an entry in ClinVar:

ClinVar aggregate classification (germline): Uncertain significance. Review status: criteria provided, multiple submitters, no conflicts (2 of 4 stars). 2 submissions from 2 submitters: Uncertain significance (2). Last evaluated 2026-05-01.

Conditions:
Hereditary spastic paraplegia 11. Also called: SPASTIC PARAPLEGIA, AUTOSOMAL RECESSIVE, COMPLICATED, WITH THIN CORPUS CALLOSUM; SPASTIC PARAPLEGIA, AUTOSOMAL RECESSIVE, WITH MENTAL IMPAIRMENT AND THIN CORPUS CALLOSUM; Spastic Paraplegia 11; Nakamura Osame syndrome; Autosomal recessive hereditary spastic paraplegia, mental impairment, and thin corpus callosum; Spastic paraplegia, mental retardation and thin corpus callosum. Identifiers: Orphanet 2822, MedGen C1858479, MONDO:0011445, OMIM 604360.

Allele frequency attached by ClinVar (database versions not stated): ExAC 0.00001; gnomAD 0.00001; TOPMed 0.00001.
gnomAD v4.1: 5 of 1,613,662 alleles (0.00031%); highest among the groups gnomAD compares: Non-Finnish European, 0.00042%; no homozygotes.

Submissions (2):

CeGaT Center for Human Genetics Tuebingen
Classification: Uncertain significance. Last evaluated: 2026-05-01. Review status: criteria provided, single submitter. Criteria: CeGaT Center For Human Genetics Tuebingen Variant Classification Criteria Version 2. Collection method: clinical testing. Allele origin: germline. Affected: yes. Observed: 1 variant allele.
Comment: SPG11: PM2, BP4

Labcorp Genetics (formerly Invitae), Labcorp
Classification: Uncertain significance for Hereditary spastic paraplegia 11. Last evaluated: 2022-09-01. Review status: criteria provided, single submitter. Criteria: Invitae Variant Classification Sherloc (09022015). Collection method: clinical testing. Allele origin: germline.
Comment: In summary, the available evidence is currently insufficient to determine the role of this variant in disease. Therefore, it has been classified as a Variant of Uncertain Significance. Algorithms developed to predict the effect of missense changes on protein structure and function are either unavailable or do not agree on the potential impact of this missense change (SIFT: "Deleterious"; PolyPhen-2: "Probably Damaging"; Align-GVGD: "Class C0"). ClinVar contains an entry for this variant (Variation ID: 582759). This variant has not been reported in the literature in individuals affected with SPG11-related conditions. This variant is present in population databases (rs762708084, gnomAD 0.0009%). This sequence change replaces aspartic acid, which is acidic and polar, with histidine, which is basic and polar, at codon 837 of the SPG11 protein (p.Asp837His).

NM_025137.4(SPG11):c.2509G>C (p.Asp837His)

Gene: SPG11 (SPG11 vesicle trafficking associated, spatacsin; minus strand). Cytogenetic location: 15q21.1.
Variant type: single nucleotide variant.
Coding change: c.2509G>C on transcript NM_025137.4 (MANE Select); coding-DNA position 2509, G replaced by C.
Protein change: p.Asp837His; replaces aspartic acid 837 with histidine.
Molecular consequence: missense variant.
Genome position (GRCh38, 1-based): chr15:44,621,870, C>G on the plus strand (G>C on the coding strand, the complement: SPG11 is on the minus strand). VCF-style: chr15-44621870-C-G. GRCh37 (hg19) VCF-style: chr15-44914068-C-G.
Other names: c.2509G>C, p.Asp837His (NM_001160227.2); short protein forms D837H.
Identifiers: ClinVar variation 582759 (VCV000582759.13), dbSNP rs762708084, ClinGen allele CA7535220.